The following is an entry in ClinVar:

ClinVar aggregate classification (germline): Uncertain significance (1 of 4 stars; one submission).

gnomAD v4.1: 1 of 1,607,684 alleles (0.000062%); highest among the groups gnomAD compares: Non-Finnish European, 0.000085%; no homozygotes.

Submission:

Labcorp Genetics (formerly Invitae), Labcorp
Classification: Uncertain significance. Last evaluated: 2024-11-14. Review status: criteria provided, single submitter. Criteria: Invitae Variant Classification Sherloc (09022015). Collection method: clinical testing. Allele origin: germline.
Comment: This sequence change replaces aspartic acid, which is acidic and polar, with asparagine, which is neutral and polar, at codon 1711 of the NBAS protein (p.Asp1711Asn). This variant is not present in population databases (gnomAD no frequency). This variant has not been reported in the literature in individuals affected with NBAS-related conditions. Invitae Evidence Modeling of protein sequence and biophysical properties (such as structural, functional, and spatial information, amino acid conservation, physicochemical variation, residue mobility, and thermodynamic stability) has been performed for this missense variant. However, the output from this modeling did not meet the statistical confidence thresholds required to predict the impact of this variant on NBAS protein function. In summary, the available evidence is currently insufficient to determine the role of this variant in disease. Therefore, it has been classified as a Variant of Uncertain Significance.

NM_015909.4(NBAS):c.5131G>A (p.Asp1711Asn)

Gene: NBAS (NBAS subunit of NRZ tethering complex; minus strand). Cytogenetic location: 2p24.3.
Variant type: single nucleotide variant.
Coding change: c.5131G>A on transcript NM_015909.4 (MANE Select); coding-DNA position 5131, G replaced by A.
Protein change: p.Asp1711Asn; replaces aspartic acid 1711 with asparagine.
Molecular consequence: missense variant. On other transcripts: non-coding transcript variant (1).
Genome position (GRCh38, 1-based): chr2:15,287,080, C>T on the plus strand (G>A on the coding strand, the complement: NBAS is on the minus strand). VCF-style: chr2-15287080-C-T. GRCh37 (hg19) VCF-style: chr2-15427204-C-T.
Other names: short protein forms D1711N.
Identifiers: ClinVar variation 3720236 (VCV003720236.2).